The following is an entry in ClinVar:

ClinVar aggregate classification (germline): Uncertain significance (1 of 4 stars; one submission).

Conditions:
Neurofibromatosis, type 1 (NF1). Also called: Peripheral type neurofibromatosis; VON RECKLINGHAUSEN DISEASE; NEUROFIBROMATOSIS, TYPE I, SOMATIC; Neurofibromatosis, type I. Identifiers: Orphanet 636, MedGen C0027831, MONDO:0018975, OMIM 162200. Disease mechanism: loss of function.

Submission:

Labcorp Genetics (formerly Invitae), Labcorp
Classification: Uncertain significance for Neurofibromatosis, type 1. Last evaluated: 2023-12-18. Review status: criteria provided, single submitter. Criteria: Invitae Variant Classification Sherloc (09022015). Collection method: clinical testing. Allele origin: germline.
Comment: This sequence change replaces proline, which is neutral and non-polar, with serine, which is neutral and polar, at codon 1442 of the NF1 protein (p.Pro1442Ser). This variant is not present in population databases (gnomAD no frequency). This variant has not been reported in the literature in individuals affected with NF1-related conditions. Advanced modeling of protein sequence and biophysical properties (such as structural, functional, and spatial information, amino acid conservation, physicochemical variation, residue mobility, and thermodynamic stability) performed at Invitae indicates that this missense variant is not expected to disrupt NF1 protein function with a negative predictive value of 95%. In summary, the available evidence is currently insufficient to determine the role of this variant in disease. Therefore, it has been classified as a Variant of Uncertain Significance.

NM_001042492.3(NF1):c.4387C>T (p.Pro1463Ser)

Gene: NF1 (neurofibromin 1; plus strand). Cytogenetic location: 17q11.2.
Variant type: single nucleotide variant.
Coding change: c.4387C>T on transcript NM_001042492.3 (MANE Select); coding-DNA position 4387, C replaced by T.
Protein change: p.Pro1463Ser; replaces proline 1463 with serine.
Molecular consequence: missense variant.
Genome position (GRCh38, 1-based): chr17:31,259,086, C>T. VCF-style: chr17-31259086-C-T. GRCh37 (hg19) VCF-style: chr17-29586104-C-T.
Other names: c.4324C>T, p.Pro1442Ser (NM_000267.4); short protein forms P1463S, P1442S.
Identifiers: ClinVar variation 2703866 (VCV002703866.3), dbSNP rs1597745703, ClinGen allele CA398998867.
Genomic context (GRCh38, chr17:31,259,086, plus strand): 5'-GTGTAGATACTTCAGAGTATTGCCAATCATGTTCTCTTCACAAAAGAAGAACATATGCGG[C>T]CTTTCAATGATTTTGTGAAAAGCAACTTTGATGCAGCACGCAGGTAATTTTCTTGCCACT-3'
Protein context (NP_001035957.1, residues 1453-1473): VLFTKEEHMR[Pro1463Ser]FNDFVKSNFD